The following is an entry in ClinVar:

NM_001166108.2(PALLD):c.169G>T (p.Asp57Tyr)

Gene: PALLD (palladin, cytoskeletal associated protein; plus strand). Cytogenetic location: 4q32.3.
Variant type: single nucleotide variant.
Coding change: c.169G>T on transcript NM_001166108.2 (MANE Select); coding-DNA position 169, G replaced by T.
Protein change: p.Asp57Tyr; replaces aspartic acid 57 with tyrosine.
Molecular consequence: missense variant.
Genome position (GRCh38, 1-based): chr4:168,511,673, G>T. VCF-style: chr4-168511673-G-T. GRCh37 (hg19) VCF-style: chr4-169432824-G-T.
Other names: c.169G>T, p.Asp57Tyr (NM_016081.4); short protein forms D57Y.
Identifiers: ClinVar variation 1778317 (VCV001778317.3), dbSNP rs775550730, ClinGen allele CA358724908.

ClinVar aggregate classification (germline): Uncertain significance (1 of 4 stars; one submission).

Allele frequency attached by ClinVar (database versions not stated): TOPMed below 0.00001; gnomAD exomes 0.00002.
gnomAD v4.1: 30 of 1,614,174 alleles (0.0019%); highest among the groups gnomAD compares: Non-Finnish European, 0.0025%; no homozygotes.

Submission:

Ambry Genetics
Classification: Uncertain significance. Last evaluated: 2024-05-12. Review status: criteria provided, single submitter. Criteria: Ambry Variant Classification Scheme 2023. Collection method: clinical testing. Allele origin: germline.
Comment: The p.D57Y variant (also known as c.169G>T), located in coding exon 1 of the PALLD gene, results from a G to T substitution at nucleotide position 169. The aspartic acid at codon 57 is replaced by tyrosine, an amino acid with highly dissimilar properties. This amino acid position is conserved. In addition, this alteration is predicted to be tolerated by in silico analysis. Since supporting evidence is limited at this time, the clinical significance of this alteration remains unclear.